The following is an entry in ClinVar:

NM_000138.5(FBN1):c.2219A>C (p.Glu740Ala)

Gene: FBN1 (fibrillin 1; minus strand). Cytogenetic location: 15q21.1.
Variant type: single nucleotide variant.
Coding change: c.2219A>C on transcript NM_000138.5 (MANE Select); coding-DNA position 2219, A replaced by C.
Protein change: p.Glu740Ala; replaces glutamic acid 740 with alanine.
Molecular consequence: missense variant.
Genome position (GRCh38, 1-based): chr15:48,497,340, T>G on the plus strand (A>C on the coding strand, the complement: FBN1 is on the minus strand). VCF-style: chr15-48497340-T-G. GRCh37 (hg19) VCF-style: chr15-48789537-T-G.
Other names: short protein forms E740A.
Identifiers: ClinVar variation 1311615 (VCV001311615.5), dbSNP rs2043616665, ClinGen allele CA392335742.

ClinVar aggregate classification (germline): Uncertain significance. Review status: criteria provided, multiple submitters, no conflicts (2 of 4 stars). 4 submissions from 4 submitters: Uncertain significance (4). Last evaluated 2026-01-14.

Conditions:
Marfan syndrome (MFS). Also called: Marfan syndrome type 1; Marfan's syndrome; FBN1-Related Marfan Syndrome; MARFAN SYNDROME, TYPE I; Marfan syndrome, classic. Identifiers: Orphanet 284963, Orphanet 558, MedGen C0024796, MONDO:0007947, OMIM 154700.
Familial thoracic aortic aneurysm and aortic dissection (TAAD). Also called: Thoracic aortic aneurysms and dissections. Identifiers: Orphanet 91387, MedGen C4707243, MONDO:0019625.

Submissions (4):

Clinical Genomics Laboratory, Washington University in St. Louis
Classification: Uncertain significance for Marfan syndrome. Last evaluated: 2026-01-14. Review status: criteria provided, single submitter. Criteria: ACMG Guidelines, 2015. Collection method: clinical testing. Allele origin: germline.
Comment: The FBN1 c.2219A>C (p.Glu740Ala) variant, to our knowledge, has not been reported in the medical literature. This variant is absent from the general population (gnomAD v2.1.1), indicating it is not a common variant. Computational predictors indicate that the variant is damaging, evidence that correlates with impact on FBN1 function. This variant has been reported in the ClinVar database as a germline variant of uncertain significance by two submitters. This variant resides within the calcium-binding EGF-like domain but does not disrupt the consensus sequence that is known to be associated with disease. Due to limited information, and based on ClinGen FBN1 expert panel specifications to the ACMG/AMP guidelines for variant interpretation, the clinical significance of this variant is uncertain at this time.

Color Diagnostics, LLC DBA Color Health
Classification: Uncertain significance for Familial thoracic aortic aneurysm and aortic dissection. Last evaluated: 2025-06-30. Review status: criteria provided, single submitter. Criteria: ACMG Guidelines, 2015. Collection method: clinical testing. Allele origin: germline.
Comment: This missense variant replaces glutamic acid with alanine at codon 740 of the FBN1 protein. Computational prediction suggests that this variant may have deleterious impact on protein structure and function. To our knowledge, functional studies have not been reported for this variant. This variant has not been reported in individuals affected with FBN1-related disorders in the literature. This variant has not been identified in the general population by the Genome Aggregation Database (gnomAD). The available evidence is insufficient to determine the role of this variant in disease conclusively. Therefore, this variant is classified as a Variant of Uncertain Significance.

Labcorp Genetics (formerly Invitae), Labcorp
Classification: Uncertain significance for Marfan syndrome; Familial thoracic aortic aneurysm and aortic dissection. Last evaluated: 2022-06-18. Review status: criteria provided, single submitter. Criteria: Invitae Variant Classification Sherloc (09022015). Collection method: clinical testing. Allele origin: germline.
Comment: This sequence change replaces glutamic acid, which is acidic and polar, with alanine, which is neutral and non-polar, at codon 740 of the FBN1 protein (p.Glu740Ala). This variant is not present in population databases (gnomAD no frequency). This variant has not been reported in the literature in individuals affected with FBN1-related conditions. ClinVar contains an entry for this variant (Variation ID: 1311615). Advanced modeling of protein sequence and biophysical properties (such as structural, functional, and spatial information, amino acid conservation, physicochemical variation, residue mobility, and thermodynamic stability) performed at Invitae indicates that this missense variant is expected to disrupt FBN1 protein function. In summary, the available evidence is currently insufficient to determine the role of this variant in disease. Therefore, it has been classified as a Variant of Uncertain Significance.

GeneDx
Classification: Uncertain significance. Last evaluated: 2019-09-03. Review status: criteria provided, single submitter. Criteria: GeneDx Variant Classification Process June 2021. Collection method: clinical testing. Allele origin: germline. Affected: yes.
Comment: Has not been previously published as pathogenic or benign to our knowledge; Not observed in large population cohorts (Lek et al., 2016); In silico analysis, which includes protein predictors and evolutionary conservation, supports a deleterious effect; Does not affect a cysteine residue within a calcium-binding EGF-like domain of the FBN1 gene; cysteine substitutions in the calcium-binding EGF-like domains represent the majority of pathogenic missense changes associated with FBN1 related disorders (Collod-Beroud et al., 2003).